The following is an entry in ClinVar:

NM_001393797.1(ABCC12):c.1032T>G (p.Ser344Arg)

Gene: ABCC12 (ATP binding cassette subfamily C member 12; minus strand). Cytogenetic location: 16q12.1.
Variant type: single nucleotide variant.
Coding change: c.1032T>G on transcript NM_001393797.1 (MANE Select); coding-DNA position 1032, T replaced by G.
Protein change: p.Ser344Arg; replaces serine 344 with arginine.
Molecular consequence: missense variant. On other transcripts: non-coding transcript variant (6).
Genome position (GRCh38, 1-based): chr16:48,133,783, A>C on the plus strand (T>G on the coding strand, the complement: ABCC12 is on the minus strand). VCF-style: chr16-48133783-A-C. GRCh37 (hg19) VCF-style: chr16-48167694-A-C.
Other names: c.1032T>G, p.Ser344Arg (NM_001392028.1, NM_033226.3); short protein forms S344R.
Identifiers: ClinVar variation 4984134 (VCV004984134.1).

ClinVar aggregate classification (germline): Uncertain significance (1 of 4 stars; one submission).

Conditions:
ABCC12-related condition.

gnomAD v4.1: 2 of 1,613,994 alleles (0.00012%); highest among the groups gnomAD compares: Admixed American, 0.0033%; no homozygotes.

Submission:

PreventionGenetics, part of Exact Sciences
Classification: Uncertain significance for ABCC12-related condition. Last evaluated: 2026-06-12. Review status: criteria provided, single submitter. Criteria: ACMG Guidelines, 2015. Collection method: clinical testing. Allele origin: germline.
Comment: The ABCC12 c.1032T>G variant is predicted to result in the amino acid substitution p.Ser344Arg. To our knowledge, this variant has not been reported in the literature or in a large population database (gnomAD), indicating this variant is rare. At this time, the clinical significance of this variant is uncertain due to the absence of conclusive functional and genetic evidence.